The following is an entry in ClinVar:

ClinVar aggregate classification (germline): Uncertain significance (1 of 4 stars; one submission).

Conditions:
EVC2-related disorder. Also called: EVC2-related condition.

Allele frequency attached by ClinVar (database versions not stated): gnomAD exomes 0.00001; TOPMed 0.00001.

Submission:

PreventionGenetics, part of Exact Sciences
Classification: Uncertain significance for EVC2-related condition. Last evaluated: 2023-05-31. Review status: criteria provided, single submitter. Criteria: ACMG Guidelines, 2015. Collection method: clinical testing. Allele origin: germline.
Comment: The EVC2 c.2072C>T variant is predicted to result in the amino acid substitution p.Ala691Val. To our knowledge, this variant has not been reported in the literature. This variant is reported in 0.00089% of alleles in individuals of European (Non-Finnish) descent in gnomAD. At this time, the clinical significance of this variant is uncertain due to the absence of conclusive functional and genetic evidence.

NM_147127.5(EVC2):c.2072C>T (p.Ala691Val)

Gene: EVC2 (EvC ciliary complex subunit 2; minus strand). Cytogenetic location: 4p16.2.
Variant type: single nucleotide variant.
Coding change: c.2072C>T on transcript NM_147127.5 (MANE Select); coding-DNA position 2072, C replaced by T.
Protein change: p.Ala691Val; replaces alanine 691 with valine.
Molecular consequence: missense variant.
Genome position (GRCh38, 1-based): chr4:5,622,966, G>A on the plus strand (C>T on the coding strand, the complement: EVC2 is on the minus strand). VCF-style: chr4-5622966-G-A. GRCh37 (hg19) VCF-style: chr4-5624693-G-A.
Other names: c.1832C>T, p.Ala611Val (NM_001166136.2); short protein forms A611V, A691V.
Identifiers: ClinVar variation 2629388 (VCV002629388.1), dbSNP rs1453331008, ClinGen allele CA356145528.